The following is an entry in ClinVar:

NM_000384.3(APOB):c.9199A>G (p.Lys3067Glu)

Gene: APOB (apolipoprotein B; minus strand). Cytogenetic location: 2p24.1.
Variant type: single nucleotide variant.
Coding change: c.9199A>G on transcript NM_000384.3 (MANE Select); coding-DNA position 9199, A replaced by G.
Protein change: p.Lys3067Glu; replaces lysine 3067 with glutamic acid.
Molecular consequence: missense variant.
Genome position (GRCh38, 1-based): chr2:21,007,669, T>C on the plus strand (A>G on the coding strand, the complement: APOB is on the minus strand). VCF-style: chr2-21007669-T-C. GRCh37 (hg19) VCF-style: chr2-21230541-T-C.
Other names: short protein forms K3067E.
Identifiers: ClinVar variation 1766131 (VCV001766131.2), dbSNP rs2465363828, ClinGen allele CA345990835.

ClinVar aggregate classification (germline): Uncertain significance (1 of 4 stars; one submission).

Conditions:
Cardiovascular phenotype. Identifiers: MedGen CN230736.

Submission:

Ambry Genetics
Classification: Uncertain significance for Cardiovascular phenotype. Last evaluated: 2019-07-29. Review status: criteria provided, single submitter. Criteria: Ambry Variant Classification Scheme 2023. Collection method: clinical testing. Allele origin: germline.
Comment: The p.K3067E variant (also known as c.9199A>G), located in coding exon 26 of the APOB gene, results from an A to G substitution at nucleotide position 9199. The lysine at codon 3067 is replaced by glutamic acid, an amino acid with similar properties. This amino acid position is highly conserved in available vertebrate species. In addition, the in silico prediction for this alteration is inconclusive. Since supporting evidence is limited at this time, the clinical significance of this alteration remains unclear.